The following is an entry in ClinVar:

NM_007348.4(ATF6):c.682A>G (p.Thr228Ala)

Gene: ATF6 (activating transcription factor 6; plus strand). Cytogenetic location: 1q23.3.
Variant type: single nucleotide variant.
Coding change: c.682A>G on transcript NM_007348.4 (MANE Select); coding-DNA position 682, A replaced by G.
Protein change: p.Thr228Ala; replaces threonine 228 with alanine.
Molecular consequence: missense variant.
Genome position (GRCh38, 1-based): chr1:161,792,321, A>G. VCF-style: chr1-161792321-A-G. GRCh37 (hg19) VCF-style: chr1-161762111-A-G.
Other names: short protein forms T228A.
Identifiers: ClinVar variation 1010819 (VCV001010819.5), dbSNP rs1296451888, ClinGen allele CA343386877.

ClinVar aggregate classification (germline): Uncertain significance (1 of 4 stars; one submission).

Allele frequency attached by ClinVar (database versions not stated): gnomAD exomes below 0.00001.
gnomAD v4.1: 4 of 1,613,470 alleles (0.00025%); highest among the groups gnomAD compares: African/African-American, 0.004%; no homozygotes.

Submission:

Labcorp Genetics (formerly Invitae), Labcorp
Classification: Uncertain significance. Last evaluated: 2022-10-05. Review status: criteria provided, single submitter. Criteria: Invitae Variant Classification Sherloc (09022015). Collection method: clinical testing. Allele origin: germline.
Comment: This variant is present in population databases (no rsID available, gnomAD 0.007%). In summary, the available evidence is currently insufficient to determine the role of this variant in disease. Therefore, it has been classified as a Variant of Uncertain Significance. Advanced modeling of protein sequence and biophysical properties (such as structural, functional, and spatial information, amino acid conservation, physicochemical variation, residue mobility, and thermodynamic stability) performed at Invitae indicates that this missense variant is not expected to disrupt ATF6 protein function. ClinVar contains an entry for this variant (Variation ID: 1010819). This variant has not been reported in the literature in individuals affected with ATF6-related conditions. This sequence change replaces threonine, which is neutral and polar, with alanine, which is neutral and non-polar, at codon 228 of the ATF6 protein (p.Thr228Ala).